The following is an entry in ClinVar:

NM_000540.3(RYR1):c.7523G>A (p.Arg2508His)

Gene: RYR1 (ryanodine receptor 1; plus strand). Cytogenetic location: 19q13.2.
Variant type: single nucleotide variant.
Coding change: c.7523G>A on transcript NM_000540.3 (MANE Select); coding-DNA position 7523, G replaced by A.
Protein change: p.Arg2508His; replaces arginine 2508 with histidine.
Molecular consequence: missense variant.
Genome position (GRCh38, 1-based): chr19:38,500,899, G>A. VCF-style: chr19-38500899-G-A. GRCh37 (hg19) VCF-style: chr19-38991539-G-A.
Other names: NM_000540.3(RYR1):c.7523G>A; p.Arg2508His; c.7523G>A, p.Arg2508His (NM_001042723.2); short protein forms R2508H.
Identifiers: ClinVar variation 133207 (VCV000133207.30), dbSNP rs193922818, ClinGen allele CA024821.
Genomic context (GRCh38, chr19:38,500,899, plus strand): 5'-CAAAGATGTCAGCATCCTTCGTGCCGGACCACAAGGCGTCCATGGTGCTCTTCCTGGACC[G>A]TGTGTATGGCATCGAGAACCAGGACTTCTTGCTGCACGTGCTGGACGTGGGGTTCCTGCC-3'
Protein context (NP_000531.2, residues 2498-2518): HKASMVLFLD[Arg2508His]VYGIENQDFL

ClinVar aggregate classification (germline): Likely pathogenic; drug response. Review status: reviewed by expert panel (3 of 4 stars). 15 submissions from 9 submitters: Likely pathogenic (2). 6 of the submissions do not count toward it. Last evaluated 2026-04-13.

Conditions:
RYR1-related myopathy. Identifiers: Orphanet 98742, MedGen CN305348, MONDO:0100150.
RYR1-related disorder. Also called: RYR1-related condition; RYR1-related disorders. Identifiers: MedGen CN239331.
Malignant hyperthermia, susceptibility to, 1 (MHS1). Also called: Malignant hyperthermia suceptibility 1; RYR1-Related Malignant Hyperthermia Susceptibility; Anesthesia related hyperthermia; Malignant hyperpyrexia; Fulminating hyperpyrexia; Pharmacogenic myopathy. Identifiers: Orphanet 423, MedGen C2930980, MONDO:0007783, OMIM 145600.
desflurane response - Toxicity.
enflurane response - Toxicity.
succinylcholine response - Toxicity.
methoxyflurane response - Toxicity.
sevoflurane response - Toxicity.
halothane response - Toxicity.
isoflurane response - Toxicity.

Allele frequency attached by ClinVar (database versions not stated): gnomAD exomes below 0.00001.
gnomAD v4.1: 1 of 1,613,094 alleles (0.000062%); no homozygotes.

Submissions 1 to 10 of 15:

ClinGen Congenital Myopathies Variant Curation Expert Panel, ClinGen
Classification: Likely pathogenic for RYR1-related myopathy. Last evaluated: 2026-04-13. Review status: reviewed by expert panel. Criteria: ClinGen CongenMyopathy ACMG Specifications RYR1 AD V2.0.0. Collection method: curation. Allele origin: germline. Inheritance: Autosomal dominant inheritance.
Comment: The NM_000540.3(RYR1):c.7523G>A p.(Arg2508His) variant in RYR1 is a missense variant predicted to cause a substitution of arginine by histidine at amino acid 2508. The highest population minor allele frequency in gnomAD v4.1.1 is 1/29568 alleles in the Ashkenazi Jewish population (PM2_Supporting). The computational predictor REVEL gives a score of 0.898, which is above the threshold of ≥ 0.7, evidence that correlates with impact to RYR1 function (PP3). Human embryonic kidney 293 cells expressing the variant were more sensitive to caffeine and 4cmC than wildtype when measured by percentage of maximal calcium response (PS3_Supporting) (PMID: 26381711). This variant has been identified as de novo without confirmed parentage in an individual with limb muscle atrophy, history of delayed motor milestones, and muscle biopsy showing internalized and central nuclei and well-demarcated zones of clearing within a few muscle fibers suggestive of central core formation (PM6) (PMID: 21282829). The variant has also been identified in the heterozygous state in individuals with a histopathological diagnosis of central core myopathy with or without malignant hyperthermia susceptibility or malignant hyperthermia diagnosis (PS4) (PMID: 35428369, 23558838, 16732084, 25960145). In summary, this variant meets the criteria to be classified as likely pathogenic for autosomal dominant RYR1-related myopathy based on the ACMG/AMP criteria applied, as specified by the ClinGen Congenital Myopathies VCEP: PS4, PM6, PS3_Supporting, PP3, and PM2_Supporting (VCEP specifications version 2.0)

ClinGen Malignant Hyperthermia Susceptibility Variant Curation Expert Panel, ClinGen
Classification: Likely pathogenic for Malignant hyperthermia, susceptibility to, 1. Last evaluated: 2025-08-01. Review status: reviewed by expert panel. Criteria: RYR1-MHS Interpretation Guidelines V2. Collection method: curation. Allele origin: germline. Inheritance: Autosomal dominant inheritance. Study: ClinGen.
Comment: This pathogenicity assessment is relevant only for malignant hyperthermia susceptibility (MHS) inherited in an autosomal dominant pattern. Variants in RYR1 can also cause other myopathies inherited in an autosomal dominant pattern or in an autosomal recessive pattern. Some of these disorders may predispose individuals to malignant hyperthermia. RYR1 variants may also contribute to a malignant hyperthermia reaction in combination with other genetic and non-genetic factors and the clinician needs to consider such factors in making management decisions. This sequence variant predicts a substitution of Arginine with Histidine at codon 2508 of the RYR1 protein, p.(Arg2508His). This variant is not present in the six major gnomAD populations at the time this variant was interpreted. This variant has been reported in nine unrelated individuals who have a personal or family history of a malignant hyperthermia reaction, six of these individuals had a positive in vitro contracture test (IVCT) or caffeine halothane contracture test (CHCT) result (if the proband was unavailable for testing, a positive diagnostic test result in a mutation-positive relative was counted), PS4 (PMID:30236257, PMID:23460944, PMID:25960145). This variant was determined to be de novo without confirmed parentage in one individual, PS2/PM6_Supporting (PMID:17483490). Functional studies in HEK293 cells show an increased sensitivity to RYR1 agonists, PS3_Moderate (PMID:26381711, PMID:27586648). This variant does not reside in a hotspot for pathogenic variants that contribute to MHS. A REVEL score >0.85 (0.898) supports a pathogenic status for this variant, PP3_Moderate. This variant has been classified as Likely Pathogenic. Criteria implemented: PS2/PM6_Supporting, PS3_Moderate, PS4, PP3_Moderate.

ClinPGx
Classification: drug response for desflurane response - Toxicity. Last evaluated: 2021-03-24. Review status: reviewed by expert panel. Criteria: Pharmacogenomics knowledge for personalized medicine. Collection method: curation. Allele origin: germline. Affected: yes.
Comment: PharmGKB Level of Evidence 1A: Level 1A clinical annotations describe variant-drug combinations that have variant-specific prescribing guidance available in a current clinical guideline annotation or an FDA-approved drug label annotation. Annotations of drug labels or clinical guidelines must give prescribing guidance for specific variants (e.g. CYP2C9*3, HLA-B*57:01) or provide mapping from defined allele functions to diplotypes and phenotypes to be used as supporting evidence for a level 1A clinical annotation. Level 1A clinical annotations must also be supported by at least one publication in addition to a clinical guideline or drug label with variant-specific prescribing guidance.

Drug is not necessarily used to treat response condition

ClinPGx
Classification: drug response for enflurane response - Toxicity. Last evaluated: 2021-03-24. Review status: reviewed by expert panel. Criteria: Pharmacogenomics knowledge for personalized medicine. Collection method: curation. Allele origin: germline. Affected: yes.
Comment: the same text as in the submission from ClinPGx above.

ClinPGx
Classification: drug response for halothane response - Toxicity. Last evaluated: 2021-03-24. Review status: reviewed by expert panel. Criteria: Pharmacogenomics knowledge for personalized medicine. Collection method: curation. Allele origin: germline. Affected: yes.
Comment: the same text as in the submission from ClinPGx above.

ClinPGx
Classification: drug response for isoflurane response - Toxicity. Last evaluated: 2021-03-24. Review status: reviewed by expert panel. Criteria: Pharmacogenomics knowledge for personalized medicine. Collection method: curation. Allele origin: germline. Affected: yes.
Comment: the same text as in the submission from ClinPGx above.

ClinPGx
Classification: drug response for methoxyflurane response - Toxicity. Last evaluated: 2021-03-24. Review status: reviewed by expert panel. Criteria: Pharmacogenomics knowledge for personalized medicine. Collection method: curation. Allele origin: germline. Affected: yes.
Comment: the same text as in the submission from ClinPGx above.

ClinPGx
Classification: drug response for sevoflurane response - Toxicity. Last evaluated: 2021-03-24. Review status: reviewed by expert panel. Criteria: Pharmacogenomics knowledge for personalized medicine. Collection method: curation. Allele origin: germline. Affected: yes.
Comment: the same text as in the submission from ClinPGx above.

ClinPGx
Classification: drug response for succinylcholine response - Toxicity. Last evaluated: 2021-03-24. Review status: reviewed by expert panel. Criteria: Pharmacogenomics knowledge for personalized medicine. Collection method: curation. Allele origin: germline. Affected: yes.
Comment: the same text as in the submission from ClinPGx above.

GeneDx
Classification: Pathogenic. Last evaluated: 2026-01-07. Review status: criteria provided, single submitter. Criteria: GeneDx Variant Classification Process June 2021. Collection method: clinical testing. Allele origin: germline. Affected: yes. Not counted in ClinVar's aggregate classification.
Comment: Published functional studies demonstrate a damaging effect on calcium homeostasis (PMID: 26381711); In silico analysis supports that this missense variant has a deleterious effect on protein structure/function; Not observed at significant frequency in large population cohorts (gnomAD); This variant is associated with the following publications: (PMID: 34850017, 21282829, 16917943, 16835904, 25960145, 23558838, 27586648, 30236257, 31127727, 32528171, 32381727, 16732084, 35428369, 38002952, 38188551, 16621918, 26381711, 17483490)